The following is an entry in ClinVar:

NM_005219.5(DIAPH1):c.1783A>G (p.Ile595Val)

Gene: DIAPH1 (diaphanous related formin 1; minus strand). Cytogenetic location: 5q31.3.
Variant type: single nucleotide variant.
Coding change: c.1783A>G on transcript NM_005219.5 (MANE Select); coding-DNA position 1783, A replaced by G.
Protein change: p.Ile595Val; replaces isoleucine 595 with valine.
Molecular consequence: missense variant.
Genome position (GRCh38, 1-based): chr5:141,574,067, T>C on the plus strand (A>G on the coding strand, the complement: DIAPH1 is on the minus strand). VCF-style: chr5-141574067-T-C. GRCh37 (hg19) VCF-style: chr5-140953634-T-C.
Other names: c.1756A>G, p.Ile586Val (NM_001079812.3); c.1783A>G, p.Ile595Val (NM_001314007.2); short protein forms I586V, I595V.
Identifiers: ClinVar variation 3762653 (VCV003762653.2).

ClinVar aggregate classification (germline): Uncertain significance (1 of 4 stars; one submission).

Conditions:
Progressive microcephaly-seizures-cortical blindness-developmental delay syndrome. Also called: Seizures, cortical blindness, and microcephaly syndrome. Identifiers: Orphanet 477814, MedGen C5567650, MONDO:0014714, OMIM 616632.
Autosomal dominant nonsyndromic hearing loss 1. Also called: DEAFNESS, AUTOSOMAL DOMINANT 1, WITH OR WITHOUT THROMBOCYTOPENIA; KONIGSMARK SYNDROME. Identifiers: Orphanet 90635, MedGen C1852282, MONDO:0007424, OMIM 124900.

gnomAD v4.1: 11 of 1,609,132 alleles (0.00068%); highest among the groups gnomAD compares: Non-Finnish European, 0.00085%; no homozygotes.

Submission:

Labcorp Genetics (formerly Invitae), Labcorp
Classification: Uncertain significance for Progressive microcephaly-seizures-cortical blindness-developmental delay syndrome; Autosomal dominant nonsyndromic hearing loss 1. Last evaluated: 2024-10-30. Review status: criteria provided, single submitter. Criteria: Invitae Variant Classification Sherloc (09022015). Collection method: clinical testing. Allele origin: germline.
Comment: This sequence change replaces isoleucine, which is neutral and non-polar, with valine, which is neutral and non-polar, at codon 595 of the DIAPH1 protein (p.Ile595Val). This variant is not present in population databases (gnomAD no frequency). This variant has not been reported in the literature in individuals affected with DIAPH1-related conditions. An algorithm developed to predict the effect of missense changes on protein structure and function outputs the following: PolyPhen-2: "Not Available". The valine amino acid residue is found in multiple mammalian species, which suggests that this missense change does not adversely affect protein function. In summary, the available evidence is currently insufficient to determine the role of this variant in disease. Therefore, it has been classified as a Variant of Uncertain Significance.